The following is an entry in ClinVar:

NM_005051.3(QARS1):c.5C>A (p.Ala2Glu)

Gene: QARS1 (glutaminyl-tRNA synthetase 1; minus strand). Cytogenetic location: 3p21.31.
Variant type: single nucleotide variant.
Coding change: c.5C>A on transcript NM_005051.3 (MANE Select); coding-DNA position 5, C replaced by A.
Protein change: p.Ala2Glu; replaces alanine 2 with glutamic acid.
Molecular consequence: missense variant. On other transcripts: non-coding transcript variant (1).
Genome position (GRCh38, 1-based): chr3:49,104,729, G>T on the plus strand (C>A on the coding strand, the complement: QARS1 is on the minus strand). VCF-style: chr3-49104729-G-T. GRCh37 (hg19) VCF-style: chr3-49142162-G-T.
Other names: c.5C>A, p.Ala2Glu (NM_001272073.2); short protein forms A2E.
Identifiers: ClinVar variation 1978048 (VCV001978048.5), dbSNP rs988664245, ClinGen allele CA74482299.

ClinVar aggregate classification (germline): Uncertain significance (1 of 4 stars; one submission).

Conditions:
Diffuse cerebral and cerebellar atrophy - intractable seizures - progressive microcephaly syndrome. Also called: Microcephaly, progressive, with seizures and cerebral and cerebellar atrophy. Identifiers: Orphanet 404437, MedGen C4014239, MONDO:0014335, OMIM 615760.

Allele frequency attached by ClinVar (database versions not stated): TOPMed below 0.00001; gnomAD 0.00001.

Submission:

Labcorp Genetics (formerly Invitae), Labcorp
Classification: Uncertain significance for Diffuse cerebral and cerebellar atrophy - intractable seizures - progressive microcephaly syndrome. Last evaluated: 2022-10-14. Review status: criteria provided, single submitter. Criteria: Invitae Variant Classification Sherloc (09022015). Collection method: clinical testing. Allele origin: germline.
Comment: This variant is not present in population databases (gnomAD no frequency). This sequence change replaces alanine, which is neutral and non-polar, with glutamic acid, which is acidic and polar, at codon 2 of the QARS protein (p.Ala2Glu). This variant has not been reported in the literature in individuals affected with QARS-related conditions. In summary, the available evidence is currently insufficient to determine the role of this variant in disease. Therefore, it has been classified as a Variant of Uncertain Significance. Algorithms developed to predict the effect of missense changes on protein structure and function (SIFT, PolyPhen-2, Align-GVGD) all suggest that this variant is likely to be tolerated.